The following is an entry in ClinVar:

ClinVar aggregate classification (germline): Conflicting classifications of pathogenicity. Review status: criteria provided, conflicting classifications (1 of 4 stars). 6 submissions from 5 submitters: Uncertain significance (1); Benign (2); Likely benign (3). Last evaluated 2026-07-01.

Conditions:
Autosomal recessive nonsyndromic hearing loss 12. Also called: DEAFNESS, AUTOSOMAL RECESSIVE 12. Identifiers: Orphanet 90636, MedGen C1832394, MONDO:0011067, OMIM 601386.
Usher syndrome type 1D (USH1D). Also called: USHER SYNDROME, TYPE ID. Identifiers: Orphanet 231169, Orphanet 886, MedGen C1832845, MONDO:0010984, OMIM 601067.

Allele frequency attached by ClinVar (database versions not stated): gnomAD below 0.00001 and 0.00037; TOPMed 0.00007; gnomAD exomes 0.00065 and 0.00134; ExAC 0.00159; 1000 Genomes Project 30x 0.00172; 1000 Genomes Project 0.00180.
gnomAD v4.1: 1,011 of 1,613,910 alleles (0.063%); highest among the groups gnomAD compares: South Asian, 1%; 18 homozygotes.

Submissions (6):

CeGaT Center for Human Genetics Tuebingen
Classification: Benign. Last evaluated: 2026-07-01. Review status: criteria provided, single submitter. Criteria: CeGaT Center For Human Genetics Tuebingen Variant Classification Criteria Version 2. Collection method: clinical testing. Allele origin: germline. Affected: yes. Observed: 1 variant allele.
Comment: CDH23: BP4, BP7, BS1, BS2

Labcorp Genetics (formerly Invitae), Labcorp
Classification: Benign. Last evaluated: 2026-01-28. Review status: criteria provided, single submitter. Criteria: Invitae Variant Classification Sherloc (09022015). Collection method: clinical testing. Allele origin: germline.

GeneDx
Classification: Likely benign. Last evaluated: 2021-02-23. Review status: criteria provided, single submitter. Criteria: GeneDx Variant Classification Process June 2021. Collection method: clinical testing. Allele origin: germline. Affected: yes.

Illumina Laboratory Services, Illumina
Classification: Uncertain significance for Autosomal recessive nonsyndromic hearing loss 12. Last evaluated: 2018-01-13. Review status: criteria provided, single submitter. Criteria: ICSL Variant Classification Criteria 13 December 2019. Collection method: clinical testing. Allele origin: germline.

Illumina Laboratory Services, Illumina
Classification: Likely benign for Usher syndrome type 1D. Last evaluated: 2018-01-13. Review status: criteria provided, single submitter. Criteria: ICSL Variant Classification Criteria 13 December 2019. Collection method: clinical testing. Allele origin: germline.
Comment: This variant was observed in the ICSL laboratory as part of a predisposition screen in an ostensibly healthy population. It had not been previously curated by ICSL or reported in the Human Gene Mutation Database (HGMD: prior to June 1st, 2018), and was therefore a candidate for classification through an automated scoring system. Utilizing variant allele frequency, disease prevalence and penetrance estimates, and inheritance mode, an automated score was calculated to assess if this variant is too frequent to cause the disease. Based on the score and internal cut-off values, a variant classified as likely benign is not then subjected to further curation. The score for this variant resulted in a classification of likely benign for this disease.

Laboratory for Molecular Medicine, Mass General Brigham Personalized Medicine
Classification: Likely benign. Last evaluated: 2013-08-15. Review status: criteria provided, single submitter. Criteria: LMM Criteria. Collection method: clinical testing. Allele origin: germline. Observed: 1 variant allele.
Comment: Val363Val in Exon 11A of CDH23: This variant is not expected to have clinical si gnificance because it does not alter an amino acid residue and is not located wi thin the splice consensus sequence.

NM_022124.6(CDH23):c.1089C>T (p.Val363=)

Gene: CDH23 (cadherin related 23; plus strand). Cytogenetic location: 10q22.1.
Variant type: single nucleotide variant.
Coding change: c.1089C>T on transcript NM_022124.6 (MANE Select); coding-DNA position 1089, C replaced by T.
Protein change: p.Val363=; no amino-acid change (valine 363 retained).
Molecular consequence: synonymous variant.
Genome position (GRCh38, 1-based): chr10:71,617,348, C>T. VCF-style: chr10-71617348-C-T. GRCh37 (hg19) VCF-style: chr10-73377105-C-T.
Other names: c.1089C>T, p.Val363= (NM_001171930.2, NM_001171931.2, NM_001171932.2 and 1 more transcripts).
Identifiers: ClinVar variation 179109 (VCV000179109.21), dbSNP rs556135873, ClinGen allele CA183751.
Genomic context (GRCh38, chr10:71,617,348, plus strand): 5'-CAATGCCCCGGAGTTCAACAGCTCCGAGTACAGCGTGGCCATCACTGAGCTGGCACAGGT[C>T]GGCTTTGCCCTTCCACTCTTCATCCAGGTGGTGGACAAGGATGAGGTGAGTCCCTGGACA-3'
Protein context (NP_071407.4, residues 353-373): YSVAITELAQ[Val363=]GFALPLFIQV